The following is an entry in ClinVar:

ClinVar aggregate classification (germline): Likely benign (0 of 4 stars; one submission).

Conditions:
SAMD11-related disorder. Also called: SAMD11-related condition.

Submission:

PreventionGenetics, part of Exact Sciences
Classification: Likely benign for SAMD11-related condition. Last evaluated: 2019-06-19. Review status: no assertion criteria provided. Collection method: clinical testing. Allele origin: germline.
Comment: This variant is classified as likely benign based on ACMG/AMP sequence variant interpretation guidelines (Richards et al. 2015 PMID: 25741868, with internal and published modifications).

NM_001385641.1(SAMD11):c.1554-19_1554-9dup

Gene: SAMD11 (sterile alpha motif domain containing 11; plus strand). Cytogenetic location: 1p36.33.
Variant type: Duplication.
Coding change: c.1554-19_1554-9dup on transcript NM_001385641.1 (MANE Select); 19 bases into the intron before coding-DNA position 1554 through 9 bases into the intron before coding-DNA position 1554, 11 bases duplicated (GCGTCTGCCCC).
Molecular consequence: intron variant.
Genome position (GRCh38, 1-based): chr1:942,540-942,550, GCGTCTGCCCC duplicated; duplicating any 11 consecutive bases within chr1:942,537-942,550 gives the same sequence; the c. name uses the placement nearest the transcript's 3' end. VCF-style (leftmost placement, unchanged base first): chr1-942536-A-ACCCGCGTCTGC. GRCh37 (hg19) VCF-style: chr1-877916-A-ACCCGCGTCTGC.
Other names: c.1557-19_1557-9dup (NM_001385640.1); c.1065-19_1065-9dup (NM_152486.4).
Identifiers: ClinVar variation 3033638 (VCV003033638.2), dbSNP rs775407971, ClinGen allele CA502960.